The following is an entry in ClinVar:

NC_012920.1(MT-ND4):m.12084C>T

Gene: MT-ND4 (mitochondrially encoded NADH dehydrogenase 4; plus strand).
Variant type: single nucleotide variant.
Genome position: chrM-12084-C-T.
Identifiers: ClinVar variation 693410 (VCV000693410.1), dbSNP rs1556424051, ClinGen allele CA414812429.

ClinVar aggregate classification (germline): Benign (1 of 4 stars; one submission).

Conditions:
Leigh syndrome (NULS). Also called: Leigh's necrotizing encephalopathy; Leigh's disease; Leigh Syndrome (mtDNA deletion); Leigh Disease; Subacute necrotizing encephalopathy; Necrotizing encephalopathy infantile subacute of Leigh. Identifiers: Orphanet 506, MedGen C2931891, MONDO:0009723, OMIM 256000.

Submission:

Wong Mito Lab, Molecular and Human Genetics, Baylor College of Medicine
Classification: Benign for Leigh syndrome. Last evaluated: 2019-10-17. Review status: criteria provided, single submitter. Criteria: Modified ACMG Guidelines (Unpublished). Collection method: clinical testing. Allele origin: germline.
Comment: The NC_012920.1:m.12084C>T (YP_003024035.1:p.Ser442Phe) variant in MTND4 gene is interpretated to be a Benign variant based on the modified ACMG guidelines (unpublished). This variant meets the following evidence codes: BS1, BS2, BP4